The following is an entry in ClinVar:

ClinVar aggregate classification (germline): Pathogenic (1 of 4 stars; one submission).

Submission:

Labcorp Genetics (formerly Invitae), Labcorp
Classification: Pathogenic. Last evaluated: 2022-09-13. Review status: criteria provided, single submitter. Criteria: Invitae Variant Classification Sherloc (09022015). Collection method: clinical testing. Allele origin: germline.
Comment: For these reasons, this variant has been classified as Pathogenic. This variant has not been reported in the literature in individuals affected with FAM161A-related conditions. This variant is not present in population databases (gnomAD no frequency). This sequence change creates a premature translational stop signal (p.Leu136*) in the FAM161A gene. It is expected to result in an absent or disrupted protein product. Loss-of-function variants in FAM161A are known to be pathogenic (PMID: 20705278, 20705279, 24651477).

Literature cited by the submitters: PubMed 20705278; PubMed 20705279; PubMed 24651477.

NM_001201543.2(FAM161A):c.406_407del (p.Ser135_Leu136insTer)

Gene: FAM161A (FAM161 centrosomal protein A; minus strand). Cytogenetic location: 2p15.
Variant type: Microsatellite.
Coding change: c.406_407del on transcript NM_001201543.2 (MANE Select); coding-DNA positions 406 to 407, 2 bases deleted (CT; older notation c.406_407delCT).
Protein change: p.Ser135_Leu136insTer.
Molecular consequence: nonsense. On other transcripts: non-coding transcript variant (1).
Genome position (GRCh38, 1-based): chr2:61,842,137-61,842,138, AG deleted on the plus strand (CT on the coding strand, the reverse complement: FAM161A is on the minus strand); deleting any 2 consecutive bases within chr2:61,842,137-61,842,142 gives the same sequence; the c. name uses the placement nearest the transcript's 3' end. VCF-style (leftmost placement, unchanged base first): chr2-61842136-AAG-A. GRCh37 (hg19) VCF-style: chr2-62069271-AAG-A.
Other names: c.406_407del, p.Ser135_Leu136insTer (NM_032180.3).
Identifiers: ClinVar variation 1069448 (VCV001069448.7), dbSNP rs2105086549, ClinGen allele CA2580611644.
Genomic context (GRCh38, chr2:61,842,136, plus strand): 5'-ACATTTTATTTTATACTCCACAAATAACATTGAGTTACAAGCTTACCTGGAAGAGTCACT[AAG>A]AGAGTCTTCTCTGATGACCACTGGCTGAACTTCCTTTAAATGTAATTTATCCTGGTACAT-3'